The following is an entry in ClinVar:

NM_014989.7(RIMS1):c.184G>A (p.Ala62Thr)

Gene: RIMS1 (regulating synaptic membrane exocytosis 1; plus strand). Cytogenetic location: 6q13.
Variant type: single nucleotide variant.
Coding change: c.184G>A on transcript NM_014989.7 (MANE Select); coding-DNA position 184, G replaced by A.
Protein change: p.Ala62Thr; replaces alanine 62 with threonine.
Molecular consequence: missense variant. On other transcripts: intron variant (1).
Genome position (GRCh38, 1-based): chr6:71,969,002, G>A. VCF-style: chr6-71969002-G-A. GRCh37 (hg19) VCF-style: chr6-72678705-G-A.
Other names: c.184G>A, p.Ala62Thr (NM_001350411.1, NM_001350413.1); c.164+81815G>A (NM_001350412.1); short protein forms A62T.
Identifiers: ClinVar variation 1524101 (VCV001524101.9), dbSNP rs1192278460, ClinGen allele CA364818061.
Genomic context (GRCh38, chr6:71,969,002, plus strand): 5'-TATAATTAATAGTGCGTTGTGCTGTCTATCATGCGCCCCAGGTGTGTTGTCAGGGACATG[G>A]CGAAGCCTGCTGCCTGCAAAACACCAAGAAATGCTGAAAACCAGCCCCACCAACCTTCAC-3'
Protein context (NP_055804.2, residues 52-72): AMLKCVVRDM[Ala62Thr]KPAACKTPRN

ClinVar aggregate classification (germline): Conflicting classifications of pathogenicity. Review status: criteria provided, conflicting classifications (1 of 4 stars). 2 submissions from 2 submitters: Uncertain significance (1); Likely benign (1). Last evaluated 2024-10-26.

Allele frequency attached by ClinVar (database versions not stated): gnomAD exomes below 0.00001.
gnomAD v4.1: 11 of 1,613,996 alleles (0.00068%); highest among the groups gnomAD compares: Non-Finnish European, 0.00085%; no homozygotes.

Submissions (2):

Labcorp Genetics (formerly Invitae), Labcorp
Classification: Uncertain significance. Last evaluated: 2024-10-26. Review status: criteria provided, single submitter. Criteria: Invitae Variant Classification Sherloc (09022015). Collection method: clinical testing. Allele origin: germline.
Comment: This sequence change replaces alanine, which is neutral and non-polar, with threonine, which is neutral and polar, at codon 62 of the RIMS1 protein (p.Ala62Thr). This variant is present in population databases (no rsID available, gnomAD 0.0009%). This variant has not been reported in the literature in individuals affected with RIMS1-related conditions. ClinVar contains an entry for this variant (Variation ID: 1524101). An algorithm developed to predict the effect of missense changes on protein structure and function (PolyPhen-2) suggests that this variant is likely to be tolerated. In summary, the available evidence is currently insufficient to determine the role of this variant in disease. Therefore, it has been classified as a Variant of Uncertain Significance.

Blueprint Genetics
Classification: Likely benign. Last evaluated: 2024-07-12. Review status: criteria provided, single submitter. Criteria: ACMG Guidelines, 2015. Collection method: clinical testing. Allele origin: germline.